The following is an entry in ClinVar:

ClinVar aggregate classification (germline): Uncertain significance (1 of 4 stars; one submission).

Submission:

GeneDx
Classification: Uncertain significance. Last evaluated: 2025-01-03. Review status: criteria provided, single submitter. Criteria: GeneDx Variant Classification Process June 2021. Collection method: clinical testing. Allele origin: germline. Affected: yes.
Comment: Not observed at significant frequency in large population cohorts (gnomAD); In silico analysis indicates that this missense variant does not alter protein structure/function; Has not been previously published as pathogenic or benign to our knowledge

NM_003153.5(STAT6):c.791T>C (p.Val264Ala)

Gene: STAT6 (signal transducer and activator of transcription 6; minus strand). Cytogenetic location: 12q13.3.
Variant type: single nucleotide variant.
Coding change: c.791T>C on transcript NM_003153.5 (MANE Select); coding-DNA position 791, T replaced by C.
Protein change: p.Val264Ala; replaces valine 264 with alanine.
Molecular consequence: missense variant. On other transcripts: non-coding transcript variant (1).
Genome position (GRCh38, 1-based): chr12:57,105,489, A>G on the plus strand (T>C on the coding strand, the complement: STAT6 is on the minus strand). VCF-style: chr12-57105489-A-G. GRCh37 (hg19) VCF-style: chr12-57499272-A-G.
Other names: c.791T>C, p.Val264Ala (NM_001178078.2, NM_001178079.2); c.461T>C, p.Val154Ala (NM_001178080.2, NM_001178081.2); short protein forms V264A, V154A.
Identifiers: ClinVar variation 4055977 (VCV004055977.1).
Genomic context (GRCh38, chr12:57,105,489, plus strand): 5'-GGTCTGTTCTAGGCCAGACTGGGAGCTCCCGGGGAATACCTGGTGACGAGGGTTCTCAGG[A>G]CTTCATCCAGCCGGCCAGTCAGCGATGCCCGGGTCTTGGGCTCAAGCTCCCCACCAGCCG-3'
Protein context (NP_003144.3, residues 254-274): RASLTGRLDE[Val264Ala]LRTLVTSCFL